The following is an entry in ClinVar:

ClinVar aggregate classification (germline): Likely benign (0 of 4 stars; one submission).

Conditions:
SUCLA2-related disorder. Also called: SUCLA2-related condition.

Submission:

PreventionGenetics, part of Exact Sciences
Classification: Likely benign for SUCLA2-related condition. Last evaluated: 2020-04-20. Review status: no assertion criteria provided. Collection method: clinical testing. Allele origin: germline.
Comment: This variant is classified as likely benign based on ACMG/AMP sequence variant interpretation guidelines (Richards et al. 2015 PMID: 25741868, with internal and published modifications).

NM_003850.3(SUCLA2):c.1002A>C (p.Ile334=)

Gene: SUCLA2 (succinate-CoA ligase ADP-forming subunit beta; minus strand). Cytogenetic location: 13q14.2.
Variant type: single nucleotide variant.
Coding change: c.1002A>C on transcript NM_003850.3 (MANE Select); coding-DNA position 1002, A replaced by C.
Protein change: p.Ile334=; no amino-acid change (isoleucine 334 retained).
Molecular consequence: synonymous variant.
Genome position (GRCh38, 1-based): chr13:47,954,245, T>G on the plus strand (A>C on the coding strand, the complement: SUCLA2 is on the minus strand). VCF-style: chr13-47954245-T-G. GRCh37 (hg19) VCF-style: chr13-48528380-T-G.
Identifiers: ClinVar variation 3053960 (VCV003053960.2), dbSNP rs1254525675, ClinGen allele CA483739660.